The following is an entry in ClinVar:

NM_020686.6(ABAT):c.1429A>G (p.Thr477Ala)

Gene: ABAT (4-aminobutyrate aminotransferase; plus strand). Cytogenetic location: 16p13.2.
Variant type: single nucleotide variant.
Coding change: c.1429A>G on transcript NM_020686.6 (MANE Select); coding-DNA position 1429, A replaced by G.
Protein change: p.Thr477Ala; replaces threonine 477 with alanine.
Molecular consequence: missense variant. On other transcripts: synonymous variant (2).
Genome position (GRCh38, 1-based): chr16:8,781,356, A>G. VCF-style: chr16-8781356-A-G. GRCh37 (hg19) VCF-style: chr16-8875213-A-G.
Other names: c.1429A>G, p.Thr477Ala (NM_000663.5, NM_001127448.2, NM_001386600.1 and 4 more transcripts); c.1390A>G, p.Thr464Ala (NM_001386605.1); c.1366A>G, p.Thr456Ala (NM_001386606.1, NM_001386607.1); c.1336A>G, p.Thr446Ala (NM_001386608.1); c.1317A>G, p.Pro439= (NM_001386609.1); c.1294A>G, p.Thr432Ala (NM_001386610.1, NM_001386611.1); c.1231A>G, p.Thr411Ala (NM_001386612.1, NM_001386613.1); c.1183A>G, p.Thr395Ala (NM_001386614.1); and 2 more; short protein forms T432A, T446A, T464A, T477A, T509A, T395A, T411A, T456A.
Identifiers: ClinVar variation 1482046 (VCV001482046.6), dbSNP rs1292109941, ClinGen allele CA394691561.

ClinVar aggregate classification (germline): Uncertain significance (1 of 4 stars; one submission).

Conditions:
Gamma-aminobutyric acid transaminase deficiency (GABATD). Also called: GABA aminotransaminase deficiency; GABA transaminase deficiency; Gamma aminobutyrate transaminase deficiency; 4 alpha aminobutyrate transaminase deficiency. Identifiers: Orphanet 2066, MedGen C0342708, MONDO:0013166, OMIM 613163.

Allele frequency attached by ClinVar (database versions not stated): TOPMed below 0.00001; gnomAD 0.00001.
gnomAD v4.1: 2 of 1,614,012 alleles (0.00012%); highest among the groups gnomAD compares: South Asian, 0.0011%; no homozygotes.

Submission:

Labcorp Genetics (formerly Invitae), Labcorp
Classification: Uncertain significance for Gamma-aminobutyric acid transaminase deficiency. Last evaluated: 2022-07-19. Review status: criteria provided, single submitter. Criteria: Invitae Variant Classification Sherloc (09022015). Collection method: clinical testing. Allele origin: germline.
Comment: In summary, the available evidence is currently insufficient to determine the role of this variant in disease. Therefore, it has been classified as a Variant of Uncertain Significance. Algorithms developed to predict the effect of missense changes on protein structure and function (SIFT, PolyPhen-2, Align-GVGD) all suggest that this variant is likely to be tolerated. ClinVar contains an entry for this variant (Variation ID: 1482046). This variant has not been reported in the literature in individuals affected with ABAT-related conditions. This variant is not present in population databases (gnomAD no frequency). This sequence change replaces threonine, which is neutral and polar, with alanine, which is neutral and non-polar, at codon 477 of the ABAT protein (p.Thr477Ala).